The following is an entry in ClinVar:

NM_001401501.2(MUC16):c.45714G>A (p.Ser15238=)

Gene: MUC16 (mucin 16, cell surface associated; minus strand). Cytogenetic location: 19p13.2.
Variant type: single nucleotide variant.
Coding change: c.45714G>A on transcript NM_001401501.2 (MANE Select); coding-DNA position 45714, G replaced by A.
Protein change: p.Ser15238=; no amino-acid change (serine 15238 retained).
Molecular consequence: synonymous variant.
Genome position (GRCh38, 1-based): chr19:8,856,089, C>T on the plus strand (G>A on the coding strand, the complement: MUC16 is on the minus strand). VCF-style: chr19-8856089-C-T. GRCh37 (hg19) VCF-style: chr19-8966765-C-T.
Other names: c.46140G>A, p.Ser15380= (NM_001414686.1); c.45594G>A, p.Ser15198= (NM_001414687.1); c.43188G>A, p.Ser14396= (NM_024690.2).
Identifiers: ClinVar variation 2649213 (VCV002649213.25), dbSNP rs762197996, ClinGen allele CA9162134.

ClinVar aggregate classification (germline): Likely benign. Review status: criteria provided, single submitter (1 of 4 stars). 2 submissions from 2 submitters: Likely benign (1). 1 of the submissions does not count toward it. Last evaluated 2022-06-01.

Conditions:
MUC16-related disorder. Also called: MUC16-related condition.

Allele frequency attached by ClinVar (database versions not stated): ExAC 0.00006; gnomAD exomes 0.00006; gnomAD 0.00005; TOPMed 0.00006.

Submissions (2):

CeGaT Center for Human Genetics Tuebingen
Classification: Likely benign. Last evaluated: 2022-06-01. Review status: criteria provided, single submitter. Criteria: CeGaT Center For Human Genetics Tuebingen Variant Classification Criteria Version 2. Collection method: clinical testing. Allele origin: germline. Affected: yes. Observed: 1 variant allele.
Comment: MUC16: BP4, BP7

PreventionGenetics, part of Exact Sciences
Classification: Likely benign for MUC16-related condition. Last evaluated: 2019-02-28. Review status: no assertion criteria provided. Collection method: clinical testing. Allele origin: germline. Not counted in ClinVar's aggregate classification.
Comment: This variant is classified as likely benign based on ACMG/AMP sequence variant interpretation guidelines (Richards et al. 2015 PMID: 25741868, with internal and published modifications).